The following is an entry in ClinVar:

NM_018191.4(RCBTB1):c.1016_1017delinsTG (p.Pro339Leu)

Gene: RCBTB1 (RCC1 and BTB domain containing protein 1; minus strand). Cytogenetic location: 13q14.2.
Variant type: Indel.
Coding change: c.1016_1017delinsTG on transcript NM_018191.4 (MANE Select); coding-DNA positions 1016 to 1017, CC replaced by TG.
Protein change: p.Pro339Leu; replaces proline 339 with leucine.
Molecular consequence: missense variant. On other transcripts: non-coding transcript variant (2).
Genome position (GRCh38, 1-based): chr13:49,549,486-49,549,487, GG replaced by CA on the plus strand (CC replaced by TG on the coding strand, the reverse complement: RCBTB1 is on the minus strand). VCF-style: chr13-49549486-GG-CA. GRCh37 (hg19) VCF-style: chr13-50123622-GG-CA.
Other names: c.1016_1017delinsTG, p.Pro339Leu (NM_001352500.2, NM_001352501.2, NM_001352502.2 and 3 more transcripts); c.437_438delinsTG, p.Pro146Leu (NM_001352506.2); short protein forms P146L, P339L.
Identifiers: ClinVar variation 1021874 (VCV001021874.8), dbSNP rs1961134721, ClinGen allele CA2090500189.

ClinVar aggregate classification (germline): Uncertain significance (1 of 4 stars; one submission).

Submission:

Labcorp Genetics (formerly Invitae), Labcorp
Classification: Uncertain significance. Last evaluated: 2023-07-07. Review status: criteria provided, single submitter. Criteria: Invitae Variant Classification Sherloc (09022015). Collection method: clinical testing. Allele origin: germline.
Comment: In summary, the available evidence is currently insufficient to determine the role of this variant in disease. Therefore, it has been classified as a Variant of Uncertain Significance. This sequence change replaces proline, which is neutral and non-polar, with leucine, which is neutral and non-polar, at codon 339 of the RCBTB1 protein (p.Pro339Leu). The frequency data for this variant in the population databases is considered unreliable, as metrics indicate poor data quality at this position in the gnomAD database. This variant has not been reported in the literature in individuals affected with RCBTB1-related conditions. ClinVar contains an entry for this variant (Variation ID: 1021874). An algorithm developed to predict the effect of missense changes on protein structure and function (PolyPhen-2) suggests that this variant is likely to be disruptive.